The following is an entry in ClinVar:

NM_001306080.2(LMO7):c.2708G>A (p.Ser903Asn)

Gene: LMO7 (LIM domain 7; plus strand). Cytogenetic location: 13q22.2.
Variant type: single nucleotide variant.
Coding change: c.2708G>A on transcript NM_001306080.2 (MANE Select); coding-DNA position 2708, G replaced by A.
Protein change: p.Ser903Asn; replaces serine 903 with asparagine.
Molecular consequence: missense variant.
Genome position (GRCh38, 1-based): chr13:75,823,632, G>A. VCF-style: chr13-75823632-G-A. GRCh37 (hg19) VCF-style: chr13-76397768-G-A.
Other names: c.2009G>A, p.Ser670Asn (NM_001330583.1, NM_001366632.2, NM_015842.2); c.2582G>A, p.Ser861Asn (NM_001366633.2); c.1727G>A, p.Ser576Asn (NM_001366634.2, NM_001366636.2); c.1862G>A, p.Ser621Asn (NM_005358.5); short protein forms S576N, S621N, S670N, S861N, S903N.
Identifiers: ClinVar variation 2637097 (VCV002637097.1), dbSNP rs962289502, ClinGen allele CA252167851.

ClinVar aggregate classification (germline): Uncertain significance (1 of 4 stars; one submission).

Conditions:
LMO7-related disorder. Also called: LMO7-related condition.

Allele frequency attached by ClinVar (database versions not stated): gnomAD 0.00001; TOPMed 0.00002.
gnomAD v4.1: 1 of 1,613,976 alleles (0.000062%); highest among the groups gnomAD compares: African/African-American, 0.0013%; no homozygotes.

Submission:

PreventionGenetics, part of Exact Sciences
Classification: Uncertain significance for LMO7-related condition. Last evaluated: 2023-08-30. Review status: criteria provided, single submitter. Criteria: ACMG Guidelines, 2015. Collection method: clinical testing. Allele origin: germline.
Comment: The LMO7 c.2708G>A variant is predicted to result in the amino acid substitution p.Ser903Asn. To our knowledge, this variant has not been reported in the literature or in a large population database, indicating this variant is rare. At this time, the clinical significance of this variant is uncertain due to the absence of conclusive functional and genetic evidence.